The following is an entry in ClinVar:

NM_000092.5(COL4A4):c.4045G>A (p.Gly1349Arg)

Gene: COL4A4 (collagen type IV alpha 4 chain; minus strand). Cytogenetic location: 2q36.3.
Variant type: single nucleotide variant.
Coding change: c.4045G>A on transcript NM_000092.5 (MANE Select); coding-DNA position 4045, G replaced by A.
Protein change: p.Gly1349Arg; replaces glycine 1349 with arginine.
Molecular consequence: missense variant.
Genome position (GRCh38, 1-based): chr2:227,027,938, C>T on the plus strand (G>A on the coding strand, the complement: COL4A4 is on the minus strand). VCF-style: chr2-227027938-C-T. GRCh37 (hg19) VCF-style: chr2-227892654-C-T.
Other names: short protein forms G1349R.
Identifiers: ClinVar variation 3251906 (VCV003251906.2), dbSNP rs2149924555.

ClinVar aggregate classification (germline): Conflicting classifications of pathogenicity. Review status: criteria provided, conflicting classifications (1 of 4 stars). 2 submissions from 2 submitters: Likely pathogenic (1); Uncertain significance (1). Last evaluated 2024-04-24.

Conditions:
Autosomal recessive Alport syndrome (ATS2). Also called: COL4A3-Related Nephropathy; COL4A4 Alport Syndrome and Thin Basement Membrane Nephropathy; ALPORT SYNDROME 2, AUTOSOMAL RECESSIVE; Alport syndrome type 2. Identifiers: Orphanet 63, Orphanet 88919, MedGen C4746745, MONDO:0008762, OMIM 203780.
Hematuria, benign familial, 1 (BFH1). Also called: THIN MEMBRANE NEPHROPATHY. Identifiers: MedGen CN376803, MONDO:0007709, OMIM 141200.

Allele frequency attached by ClinVar (database versions not stated): gnomAD exomes below 0.00001.
gnomAD v4.1: 1 of 1,613,952 alleles (0.000062%); highest among the groups gnomAD compares: Non-Finnish European, 0.000085%; no homozygotes.

Submissions (2):

Fulgent Genetics
Classification: Likely pathogenic for Hematuria, benign familial, 1; Autosomal recessive Alport syndrome. Last evaluated: 2024-04-24. Review status: criteria provided, single submitter. Criteria: ACMG Guidelines, 2015. Collection method: clinical testing. Allele origin: germline.

Women's Health and Genetics/Laboratory Corporation of America, LabCorp
Classification: Uncertain significance. Last evaluated: 2024-04-17. Review status: criteria provided, single submitter. Criteria: LabCorp Variant Classification Summary - May 2015. Collection method: clinical testing. Allele origin: germline.
Comment: Variant summary: COL4A4 c.4045G>A (p.Gly1349Arg) results in a non-conservative amino acid change in the encoded protein sequence. Five of five in-silico tools predict a damaging effect of the variant on protein function. The variant was absent in 249250 control chromosomes. The available data on variant occurrences in the general population are insufficient to allow any conclusion about variant significance. To our knowledge, no occurrence of c.4045G>A in individuals affected with COL4A4-related conditions and no experimental evidence demonstrating its impact on protein function have been reported. No submitters have cited clinical-significance assessments for this variant to ClinVar. Based on the evidence outlined above, the variant was classified as uncertain significance.